The following is an entry in ClinVar:

ClinVar aggregate classification (germline): Uncertain significance. Review status: criteria provided, multiple submitters, no conflicts (2 of 4 stars). 2 submissions from 2 submitters: Uncertain significance (2). Last evaluated 2025-01-09.

Conditions:
Immunodeficiency 39 (IMD39). Identifiers: Orphanet 574918, MedGen C4225358, MONDO:0014597, OMIM 616345.

Allele frequency attached by ClinVar (database versions not stated): gnomAD 0.00001; TOPMed 0.00004.
gnomAD v4.1: 8 of 1,599,460 alleles (0.0005%); highest among the groups gnomAD compares: Admixed American, 0.0017%; no homozygotes.

Submissions (2):

Ambry Genetics
Classification: Uncertain significance. Last evaluated: 2025-01-09. Review status: criteria provided, single submitter. Criteria: Ambry Variant Classification Scheme 2023. Collection method: clinical testing. Allele origin: germline.

Labcorp Genetics (formerly Invitae), Labcorp
Classification: Uncertain significance for Immunodeficiency 39. Last evaluated: 2022-09-10. Review status: criteria provided, single submitter. Criteria: Invitae Variant Classification Sherloc (09022015). Collection method: clinical testing. Allele origin: germline.
Comment: In summary, the available evidence is currently insufficient to determine the role of this variant in disease. Therefore, it has been classified as a Variant of Uncertain Significance. Advanced modeling of protein sequence and biophysical properties (such as structural, functional, and spatial information, amino acid conservation, physicochemical variation, residue mobility, and thermodynamic stability) performed at Invitae indicates that this missense variant is not expected to disrupt IRF7 protein function. This variant has not been reported in the literature in individuals affected with IRF7-related conditions. This variant is present in population databases (no rsID available, gnomAD no frequency). This sequence change replaces glutamic acid, which is acidic and polar, with aspartic acid, which is acidic and polar, at codon 275 of the IRF7 protein (p.Glu275Asp).

NM_001572.5(IRF7):c.786G>C (p.Glu262Asp)

Gene: IRF7 (interferon regulatory factor 7; minus strand). Cytogenetic location: 11p15.5.
Variant type: single nucleotide variant.
Coding change: c.786G>C on transcript NM_001572.5 (MANE Select); coding-DNA position 786, G replaced by C.
Protein change: p.Glu262Asp; replaces glutamic acid 262 with aspartic acid.
Molecular consequence: missense variant.
Genome position (GRCh38, 1-based): chr11:613,846, C>G on the plus strand (G>C on the coding strand, the complement: IRF7 is on the minus strand). VCF-style: chr11-613846-C-G. GRCh37 (hg19) VCF-style: chr11-613846-C-G.
Other names: c.825G>C (NM_004031.2); c.699G>C, p.Glu233Asp (NM_004029.4); c.825G>C, p.Glu275Asp (NM_004031.4); short protein forms E275D, E262D, E233D.
Identifiers: ClinVar variation 1945079 (VCV001945079.6), dbSNP rs773806371, ClinGen allele CA378979932.